The following is an entry in ClinVar:

NM_030773.4(TUBB1):c.406G>A (p.Val136Ile)

Gene: TUBB1 (tubulin beta 1 class VI; plus strand). Cytogenetic location: 20q13.32.
Variant type: single nucleotide variant.
Coding change: c.406G>A on transcript NM_030773.4 (MANE Select); coding-DNA position 406, G replaced by A.
Protein change: p.Val136Ile; replaces valine 136 with isoleucine.
Molecular consequence: missense variant.
Genome position (GRCh38, 1-based): chr20:59,023,833, G>A. VCF-style: chr20-59023833-G-A. GRCh37 (hg19) VCF-style: chr20-57598888-G-A.
Other names: short protein forms V136I.
Identifiers: ClinVar variation 3710838 (VCV003710838.3).

ClinVar aggregate classification (germline): Conflicting classifications of pathogenicity. Review status: criteria provided, conflicting classifications (1 of 4 stars). 2 submissions from 2 submitters: Uncertain significance (1); Likely benign (1). Last evaluated 2026-01-25.

Submissions (2):

Labcorp Genetics (formerly Invitae), Labcorp
Classification: Uncertain significance. Last evaluated: 2026-01-25. Review status: criteria provided, single submitter. Criteria: Invitae Variant Classification Sherloc (09022015). Collection method: clinical testing. Allele origin: germline.
Comment: This sequence change replaces valine, which is neutral and non-polar, with isoleucine, which is neutral and non-polar, at codon 136 of the TUBB1 protein (p.Val136Ile). This variant is present in population databases (rs62639976, gnomAD 0.02%). This variant has not been reported in the literature in individuals affected with TUBB1-related conditions. ClinVar contains an entry for this variant (Variation ID: 3710838). Invitae Evidence Modeling of protein sequence and biophysical properties (such as structural, functional, and spatial information, amino acid conservation, physicochemical variation, residue mobility, and thermodynamic stability) indicates that this missense variant is not expected to disrupt TUBB1 protein function with a negative predictive value of 80%. In summary, the available evidence is currently insufficient to determine the role of this variant in disease. Therefore, it has been classified as a Variant of Uncertain Significance.

Blueprint Genetics
Classification: Likely benign. Last evaluated: 2024-05-03. Review status: criteria provided, single submitter. Criteria: ACMG Guidelines, 2015. Collection method: clinical testing. Allele origin: germline.